The following is an entry in ClinVar:

ClinVar aggregate classification (germline): Uncertain significance (1 of 4 stars; one submission).

Submission:

GeneDx
Classification: Uncertain significance. Last evaluated: 2024-09-06. Review status: criteria provided, single submitter. Criteria: GeneDx Variant Classification Process June 2021. Collection method: clinical testing. Allele origin: germline. Affected: yes.
Comment: Not observed at significant frequency in large population cohorts (gnomAD); In silico analysis supports that this missense variant has a deleterious effect on protein structure/function; Has not been previously published as pathogenic or benign to our knowledge

NM_003620.4(PPM1D):c.707T>A (p.Met236Lys)

Gene: PPM1D (protein phosphatase, Mg2+/Mn2+ dependent 1D; plus strand). Cytogenetic location: 17q23.2.
Variant type: single nucleotide variant.
Coding change: c.707T>A on transcript NM_003620.4 (MANE Select); coding-DNA position 707, T replaced by A.
Protein change: p.Met236Lys; replaces methionine 236 with lysine.
Molecular consequence: missense variant.
Genome position (GRCh38, 1-based): chr17:60,633,858, T>A. VCF-style: chr17-60633858-T-A. GRCh37 (hg19) VCF-style: chr17-58711219-T-A.
Other names: short protein forms M236K.
Identifiers: ClinVar variation 3767478 (VCV003767478.1).